The following is an entry in ClinVar:

NM_002880.4(RAF1):c.868_870delinsACC (p.Pro290Thr)

Gene: RAF1 (Raf-1 proto-oncogene, serine/threonine kinase; minus strand). Cytogenetic location: 3p25.2.
Variant type: Indel.
Coding change: c.868_870delinsACC on transcript NM_002880.4 (MANE Select); coding-DNA positions 868 to 870, CCT replaced by ACC.
Protein change: p.Pro290Thr; replaces proline 290 with threonine.
Molecular consequence: missense variant. On other transcripts: non-coding transcript variant (3).
Genome position (GRCh38, 1-based): chr3:12,600,272-12,600,274, AGG replaced by GGT on the plus strand (CCT replaced by ACC on the coding strand, the reverse complement: RAF1 is on the minus strand). VCF-style: chr3-12600272-AGG-GGT. GRCh37 (hg19) VCF-style: chr3-12641771-AGG-GGT.
Other names: c.928_930delinsACC, p.Pro310Thr (NM_001354689.3); c.868_870delinsACC, p.Pro290Thr (NM_001354690.3); c.625_627delinsACC, p.Pro209Thr (NM_001354691.3, NM_001354692.3); c.769_771delinsACC, p.Pro257Thr (NM_001354693.3); c.685_687delinsACC, p.Pro229Thr (NM_001354694.3); c.526_528delinsACC, p.Pro176Thr (NM_001354695.3); c.868_870delCCTinsACC (NM_002880.3); short protein forms P176T, P209T, P229T, P257T, P290T, P310T.
Identifiers: ClinVar variation 1697116 (VCV001697116.5), dbSNP rs2125380943, ClinGen allele CA2580068462.

ClinVar aggregate classification (germline): Conflicting classifications of pathogenicity. Review status: criteria provided, conflicting classifications (1 of 4 stars). 2 submissions from 2 submitters: Uncertain significance (1); Likely benign (1). Last evaluated 2025-09-24.

Conditions:
Cardiovascular phenotype. Identifiers: MedGen CN230736.

Submissions (2):

Ambry Genetics
Classification: Uncertain significance for Cardiovascular phenotype. Last evaluated: 2025-09-24. Review status: criteria provided, single submitter. Criteria: Ambry Variant Classification Scheme 2023. Collection method: clinical testing. Allele origin: germline.
Comment: The c.868_870delCCTinsACC (p.P290T) alteration, located in exon 9 (coding exon 8) of the RAF1 gene, consists of an in-frame substitution of 3 nucleotides from position 868 to 870, resulting in the insertion of 1 residue. Based on insufficient or conflicting evidence, the clinical significance of this alteration remains unclear.

GeneDx
Classification: Likely benign. Last evaluated: 2022-07-16. Review status: criteria provided, single submitter. Criteria: GeneDx Variant Classification Process June 2021. Collection method: clinical testing. Allele origin: germline. Affected: yes.
Comment: See Variant Classification Assertion Criteria.